The following is an entry in ClinVar:

ClinVar aggregate classification (germline): Benign. Review status: criteria provided, multiple submitters, no conflicts (2 of 4 stars). 3 submissions from 3 submitters: Benign (3). Last evaluated 2026-02-01.

Allele frequency attached by ClinVar (database versions not stated): ESP Exome Variant Server 0.02345; gnomAD 0.02707 and 0.03027; TOPMed 0.02721; gnomAD exomes 0.03624 and 0.03925; ExAC 0.04055; 1000 Genomes Project 30x 0.04403; 1000 Genomes Project 0.04633.
gnomAD v4.1: 57,903 of 1,613,070 alleles (3.6%); highest among the groups gnomAD compares: East Asian, 13%; 1,519 homozygotes.

Submissions (3):

Labcorp Genetics (formerly Invitae), Labcorp
Classification: Benign. Last evaluated: 2026-02-01. Review status: criteria provided, single submitter. Criteria: Invitae Variant Classification Sherloc (09022015). Collection method: clinical testing. Allele origin: germline.

GeneDx
Classification: Benign. Last evaluated: 2016-01-24. Review status: criteria provided, single submitter. Criteria: GeneDx Variant Classification (06012015). Collection method: clinical testing. Allele origin: germline. Affected: yes.
Comment: This variant is considered likely benign or benign based on one or more of the following criteria: it is a conservative change, it occurs at a poorly conserved position in the protein, it is predicted to be benign by multiple in silico algorithms, and/or has population frequency not consistent with disease.

Breakthrough Genomics
Classification: Benign. Review status: criteria provided, single submitter. Criteria: ACMG Guidelines, 2015. Collection method: not provided. Allele origin: germline. Inheritance: Autosomal recessive inheritance. Affected: yes.

NM_025150.5(TARS2):c.1401+17T>A

Gene: TARS2 (threonyl-tRNA synthetase 2, mitochondrial; plus strand). Cytogenetic location: 1q21.2.
Variant type: single nucleotide variant.
Coding change: c.1401+17T>A on transcript NM_025150.5 (MANE Select); 17 bases into the intron after coding-DNA position 1401, T replaced by A.
Molecular consequence: intron variant.
Genome position (GRCh38, 1-based): chr1:150,498,681, T>A. VCF-style: chr1-150498681-T-A. GRCh37 (hg19) VCF-style: chr1-150471157-T-A.
Other names: c.1155+17T>A (NM_001271895.2); c.1011+17T>A (NM_001271896.2).
Identifiers: ClinVar variation 381175 (VCV000381175.11), dbSNP rs12023021, ClinGen allele CA1077000.